The following is an entry in ClinVar:

ClinVar aggregate classification (germline): Likely benign (1 of 4 stars; one submission).

Allele frequency attached by ClinVar (database versions not stated): ExAC 0.00002; gnomAD 0.00003.

Submission:

CeGaT Center for Human Genetics Tuebingen
Classification: Likely benign. Last evaluated: 2022-12-01. Review status: criteria provided, single submitter. Criteria: CeGaT Center For Human Genetics Tuebingen Variant Classification Criteria Version 2. Collection method: clinical testing. Allele origin: germline. Affected: yes. Observed: 1 variant allele.
Comment: LRRC37A3: BP4, BP7

NM_199340.5(LRRC37A3):c.327C>T (p.Phe109=)

Gene: LRRC37A3 (leucine rich repeat containing 37 member A3). Cytogenetic location: 17q24.1.
Variant type: single nucleotide variant.
Coding change: c.327C>T on transcript NM_199340.5 (MANE Select); coding-DNA position 327, C replaced by T.
Protein change: p.Phe109=; no amino-acid change (phenylalanine 109 retained).
Molecular consequence: synonymous variant. On other transcripts: intron variant (1).
Genome position (GRCh38, 1-based): chr17:64,896,931, G>A on the plus strand (C>T on the coding strand, the complement: LRRC37A3 is on the minus strand). VCF-style: chr17-64896931-G-A. GRCh37 (hg19) VCF-style: chr17-62893049-G-A.
Other names: c.117-4331C>T (NM_001303255.3).
Identifiers: ClinVar variation 2648104 (VCV002648104.24), dbSNP rs765683725, ClinGen allele CA8716922.